The following is an entry in ClinVar:

ClinVar aggregate classification (germline): Uncertain significance (1 of 4 stars; one submission).

Conditions:
Hereditary pancreatitis (PCTT). Also called: Hereditary chronic pancreatitis; PRSS1-Related Hereditary Pancreatitis. Identifiers: Orphanet 676, MedGen C0238339, MONDO:0008185, OMIM 167800.

Allele frequency attached by ClinVar (database versions not stated): gnomAD exomes below 0.00001; TOPMed below 0.00001; gnomAD 0.00001.

Submission:

Ambry Genetics
Classification: Uncertain significance for Hereditary pancreatitis. Last evaluated: 2023-11-16. Review status: criteria provided, single submitter. Criteria: Ambry Variant Classification Scheme 2023. Collection method: clinical testing. Allele origin: germline.
Comment: The p.G3C variant (also known as c.7G>T), located in coding exon 1 of the CTRC gene, results from a G to T substitution at nucleotide position 7. The glycine at codon 3 is replaced by cysteine, an amino acid with highly dissimilar properties. This amino acid position is well conserved in available vertebrate species. In addition, the in silico prediction for this alteration is inconclusive. Since supporting evidence is limited at this time, the clinical significance of this alteration remains unclear.

NM_007272.3(CTRC):c.7G>T (p.Gly3Cys)

Gene: CTRC (chymotrypsin C; plus strand). Cytogenetic location: 1p36.21.
Variant type: single nucleotide variant.
Coding change: c.7G>T on transcript NM_007272.3 (MANE Select); coding-DNA position 7, G replaced by T.
Protein change: p.Gly3Cys; replaces glycine 3 with cysteine.
Molecular consequence: missense variant.
Genome position (GRCh38, 1-based): chr1:15,438,471, G>T. VCF-style: chr1-15438471-G-T. GRCh37 (hg19) VCF-style: chr1-15764967-G-T.
Other names: short protein forms G3C.
Identifiers: ClinVar variation 1761606 (VCV001761606.2), dbSNP rs1343524121, ClinGen allele CA338563552.